The following is an entry in ClinVar:

NM_014714.4(IFT140):c.1352C>T (p.Ala451Val)

Genes: IFT140 (intraflagellar transport 140; minus strand), LOC105371046 (uncharacterized LOC105371046; plus strand). Cytogenetic location: 16p13.3.
Variant type: single nucleotide variant.
Coding change: c.1352C>T on transcript NM_014714.4 (MANE Select); coding-DNA position 1352, C replaced by T.
Protein change: p.Ala451Val; replaces alanine 451 with valine.
Molecular consequence: missense variant.
Genome position (GRCh38, 1-based): chr16:1,584,224, G>A on the plus strand (C>T on the coding strand, the complement: IFT140 is on the minus strand). VCF-style: chr16-1584224-G-A. GRCh37 (hg19) VCF-style: chr16-1634225-G-A.
Other names: short protein forms A451V.
Identifiers: ClinVar variation 318192 (VCV000318192.18), dbSNP rs8060532, ClinGen allele CA7814359.
Genomic context (GRCh38, chr16:1,584,224, plus strand): 5'-CATGGGGCAGTTCTTCTGTCTGTGTCCCACCCACGGGTCCCCTCGGCAGTCACCTTGGTG[G>A]CAAACACTCCACTGATGTGCATGTCGGTGCGCAGGCTGTGTGCGACCCCCGTGGACAGGA-3'
Protein context (NP_055529.2, residues 441-461): RTDMHISGVF[Ala451Val]TKDAVAVWNG

ClinVar aggregate classification (germline): Benign. Review status: criteria provided, multiple submitters, no conflicts (2 of 4 stars). 5 submissions from 5 submitters: Benign (5). Last evaluated 2026-02-01.

Conditions:
Saldino-Mainzer syndrome (SRTD9). Also called: Renal dysplasia, retinal pigmentary dystrophy, cerebellar ataxia and skeletal dysplasia; SHORT-RIB THORACIC DYSPLASIA 9 WITHOUT POLYDACTYLY; CONORENAL SYNDROME; short-rib thoracic dysplasia 9 with or without polydactyly. Identifiers: Orphanet 140969, MedGen C1849437, MONDO:0009964, OMIM 266920.

Allele frequency attached by ClinVar (database versions not stated): gnomAD exomes 0.00240 and 0.00650; ExAC 0.00843; gnomAD 0.02503 and 0.02699; 1000 Genomes Project 0.02576; TOPMed 0.02738; 1000 Genomes Project 30x 0.02795; ESP Exome Variant Server 0.03039.
gnomAD v4.1: 7,449 of 1,612,984 alleles (0.46%); highest among the groups gnomAD compares: African/African-American, 8.8%; 297 homozygotes.

Submissions (5):

Labcorp Genetics (formerly Invitae), Labcorp
Classification: Benign for Saldino-Mainzer syndrome. Last evaluated: 2026-02-01. Review status: criteria provided, single submitter. Criteria: Invitae Variant Classification Sherloc (09022015). Collection method: clinical testing. Allele origin: germline.

Mayo Clinic Laboratories, Mayo Clinic
Classification: Benign. Last evaluated: 2023-04-10. Review status: criteria provided, single submitter. Criteria: ACMG Guidelines, 2015. Collection method: clinical testing. Allele origin: germline. Observed: 2 variant alleles.

GeneDx
Classification: Benign. Last evaluated: 2021-05-05. Review status: criteria provided, single submitter. Criteria: GeneDx Variant Classification Process June 2021. Collection method: clinical testing. Allele origin: germline. Affected: yes.

Illumina Laboratory Services, Illumina
Classification: Benign for Saldino-Mainzer syndrome. Last evaluated: 2018-01-12. Review status: criteria provided, single submitter. Criteria: ICSL Variant Classification Criteria 13 December 2019. Collection method: clinical testing. Allele origin: germline.
Comment: This variant was observed in the ICSL laboratory as part of a predisposition screen in an ostensibly healthy population. It had not been previously curated by ICSL or reported in the Human Gene Mutation Database (HGMD: prior to June 1st, 2018), and was therefore a candidate for classification through an automated scoring system. Utilizing variant allele frequency, disease prevalence and penetrance estimates, and inheritance mode, an automated score was calculated to assess if this variant is too frequent to cause the disease. Based on the score and internal cut-off values, a variant classified as benign is not then subjected to further curation. The score for this variant resulted in a classification of benign for this disease.

Breakthrough Genomics
Classification: Benign. Review status: criteria provided, single submitter. Criteria: ACMG Guidelines, 2015. Collection method: not provided. Allele origin: germline. Inheritance: Autosomal recessive inheritance. Affected: yes.